The following is an entry in ClinVar:

NM_006904.7(PRKDC):c.5191C>T (p.Pro1731Ser)

Gene: PRKDC (protein kinase, DNA-activated, catalytic subunit; minus strand). Cytogenetic location: 8q11.21.
Variant type: single nucleotide variant.
Coding change: c.5191C>T on transcript NM_006904.7 (MANE Select); coding-DNA position 5191, C replaced by T.
Protein change: p.Pro1731Ser; replaces proline 1731 with serine.
Molecular consequence: missense variant.
Genome position (GRCh38, 1-based): chr8:47,879,535, G>A on the plus strand (C>T on the coding strand, the complement: PRKDC is on the minus strand). VCF-style: chr8-47879535-G-A. GRCh37 (hg19) VCF-style: chr8-48792096-G-A.
Other names: c.5191C>T, p.Pro1731Ser (NM_001081640.2); short protein forms P1731S.
Identifiers: ClinVar variation 3225870 (VCV003225870.1), dbSNP rs1388408275, ClinGen allele CA371138384.

ClinVar aggregate classification (germline): Uncertain significance (1 of 4 stars; one submission).

Submission:

Ambry Genetics
Classification: Uncertain significance. Last evaluated: 2023-10-29. Review status: criteria provided, single submitter. Criteria: Ambry Variant Classification Scheme 2023. Collection method: clinical testing. Allele origin: germline.
Comment: The p.P1731S variant (also known as c.5191C>T), located in coding exon 39 of the PRKDC gene, results from a C to T substitution at nucleotide position 5191. The proline at codon 1731 is replaced by serine, an amino acid with similar properties. This amino acid position is conserved. In addition, this alteration is predicted to be tolerated by in silico analysis. Since supporting evidence is limited at this time, the clinical significance of this alteration remains unclear.